The following is an entry in ClinVar:

NM_020800.3(IFT80):c.2179G>A (p.Gly727Ser)

Genes: IFT80 (intraflagellar transport 80; minus strand), TRIM59-IFT80 (TRIM59-IFT80 readthrough (NMD candidate); minus strand). Cytogenetic location: 3q25.33.
Variant type: single nucleotide variant.
Coding change: c.2179G>A on transcript NM_020800.3 (MANE Select); coding-DNA position 2179, G replaced by A.
Protein change: p.Gly727Ser; replaces glycine 727 with serine.
Molecular consequence: missense variant. On other transcripts: non-coding transcript variant (3).
Genome position (GRCh38, 1-based): chr3:160,268,457, C>T on the plus strand (G>A on the coding strand, the complement: IFT80 is on the minus strand). VCF-style: chr3-160268457-C-T. GRCh37 (hg19) VCF-style: chr3-159986245-C-T.
Other names: c.1768G>A, p.Gly590Ser (NM_001190241.2, NM_001190242.2); short protein forms G590S, G727S.
Identifiers: ClinVar variation 645274 (VCV000645274.8), dbSNP rs977361551, ClinGen allele CA87070728.

ClinVar aggregate classification (germline): Uncertain significance. Review status: criteria provided, multiple submitters, no conflicts (2 of 4 stars). 3 submissions from 3 submitters: Uncertain significance (3). Last evaluated 2025-08-10.

Conditions:
Inborn genetic diseases. Identifiers: MedGen C0950123, MeSH D030342.
Jeune thoracic dystrophy. Also called: Jeune syndrome; Infantile thoracic dystrophy; Thoracic pelvic phalangeal dystrophy; Jeune's syndrome; Chondroectodermal dysplasia-like syndrome; Short-rib thoracic dysplasia. Identifiers: Orphanet 474, MedGen C0265275, MONDO:0018770.
Asphyxiating thoracic dystrophy 2 (SRTD2). Also called: SHORT-RIB THORACIC DYSPLASIA 2 WITHOUT POLYDACTYLY; SHORT-RIB THORACIC DYSPLASIA 2 WITH OR WITHOUT POLYDACTYLY; SHORT-RIB THORACIC DYSPLASIA 2 WITH POLYDACTYLY. Identifiers: Orphanet 474, MedGen C1970005, MONDO:0012644, OMIM 611263.

Allele frequency attached by ClinVar (database versions not stated): gnomAD 0.00001.
gnomAD v4.1: 1 of 1,613,292 alleles (0.000062%); highest among the groups gnomAD compares: Admixed American, 0.0017%; no homozygotes.

Submissions (3):

Ambry Genetics
Classification: Uncertain significance for Inborn genetic diseases. Last evaluated: 2025-08-10. Review status: criteria provided, single submitter. Criteria: Ambry Variant Classification Scheme 2023. Collection method: clinical testing. Allele origin: germline.

Fulgent Genetics
Classification: Uncertain significance for Asphyxiating thoracic dystrophy 2. Last evaluated: 2024-04-15. Review status: criteria provided, single submitter. Criteria: ACMG Guidelines, 2015. Collection method: clinical testing. Allele origin: germline.

Labcorp Genetics (formerly Invitae), Labcorp
Classification: Uncertain significance for Jeune thoracic dystrophy. Last evaluated: 2021-08-28. Review status: criteria provided, single submitter. Criteria: Invitae Variant Classification Sherloc (09022015). Collection method: clinical testing. Allele origin: germline.
Comment: This sequence change replaces glycine with serine at codon 727 of the IFT80 protein (p.Gly727Ser). The glycine residue is highly conserved and there is a small physicochemical difference between glycine and serine. This variant is not present in population databases (ExAC no frequency). This variant has not been reported in the literature in individuals affected with IFT80-related conditions. Algorithms developed to predict the effect of missense changes on protein structure and function (SIFT, PolyPhen-2, Align-GVGD) all suggest that this variant is likely to be tolerated. In summary, the available evidence is currently insufficient to determine the role of this variant in disease. Therefore, it has been classified as a Variant of Uncertain Significance.